The following is an entry in ClinVar:

ClinVar aggregate classification (germline): Pathogenic (1 of 4 stars; one submission).

Submission:

Labcorp Genetics (formerly Invitae), Labcorp
Classification: Pathogenic. Last evaluated: 2021-05-30. Review status: criteria provided, single submitter. Criteria: Invitae Variant Classification Sherloc (09022015). Collection method: clinical testing. Allele origin: germline.
Comment: This sequence change creates a premature translational stop signal (p.Pro1253Leufs*52) in the LRPPRC gene. It is expected to result in an absent or disrupted protein product. Loss-of-function variants in LRPPRC are known to be pathogenic (PMID: 26510951). For these reasons, this variant has been classified as Pathogenic. This variant has not been reported in the literature in individuals with LRPPRC-related conditions. This variant is not present in population databases (ExAC no frequency).

Literature cited by the submitters: PubMed 26510951.

NM_133259.4(LRPPRC):c.3758del (p.Pro1253fs)

Gene: LRPPRC (leucine rich pentatricopeptide repeat containing; minus strand). Cytogenetic location: 2p21.
Variant type: Deletion.
Coding change: c.3758del on transcript NM_133259.4 (MANE Select); coding-DNA position 3758, one base deleted (C; older notation c.3758delC).
Protein change: p.Pro1253fs; shifts the reading frame from proline 1253.
Molecular consequence: frameshift variant.
Genome position (GRCh38, 1-based): chr2:43,899,286, G deleted on the plus strand (C on the coding strand, the reverse complement: LRPPRC is on the minus strand); the first of 2 consecutive G bases (chr2:43,899,286-43,899,287); deleting either gives the same sequence. VCF-style (leftmost placement, unchanged base first): chr2-43899285-AG-A. GRCh37 (hg19) VCF-style: chr2-44126424-AG-A.
Other names: short protein forms P1253fs.
Identifiers: ClinVar variation 1447712 (VCV001447712.6), dbSNP rs2104989326, ClinGen allele CA2573134634.
Genomic context (GRCh38, chr2:43,899,285, plus strand): 5'-GAGAGCTCTGGCATCATCCACCTTGCCTGCATCCACAAGTTGAAGGAAAAAATCAGTGAC[AG>A]GTTTATAAATTGCAAACTGATTGGCCAATCTCTCCGCCATGATGCTTACTGGAAAAATGA-3'